The following is an entry in ClinVar:

ClinVar aggregate classification (germline): Uncertain significance (1 of 4 stars; one submission).

Conditions:
Brown-Vialetto-van Laere syndrome 1. Also called: BROWN-VIALETTO-VAN LAERE SYNDROME 1, MILD; BULBAR PALSY, PROGRESSIVE, WITH SENSORINEURAL DEAFNESS; PONTOBULBAR PALSY WITH DEAFNESS. Identifiers: Orphanet 572550, Orphanet 97229, MedGen C0796274, MONDO:0024537, OMIM 211530.

Allele frequency attached by ClinVar (database versions not stated): TOPMed below 0.00001.

Submission:

Labcorp Genetics (formerly Invitae), Labcorp
Classification: Uncertain significance for Brown-Vialetto-van Laere syndrome 1. Last evaluated: 2020-11-06. Review status: criteria provided, single submitter. Criteria: Invitae Variant Classification Sherloc (09022015). Collection method: clinical testing. Allele origin: germline.
Comment: This sequence change replaces alanine with glycine at codon 107 of the SLC52A3 protein (p.Ala107Gly). The alanine residue is highly conserved and there is a small physicochemical difference between alanine and glycine. This variant is not present in population databases (ExAC no frequency). This variant has not been reported in the literature in individuals with SLC52A3-related conditions. Algorithms developed to predict the effect of missense changes on protein structure and function (SIFT, PolyPhen-2, Align-GVGD) all suggest that this variant is likely to be tolerated, but these predictions have not been confirmed by published functional studies and their clinical significance is uncertain. In summary, the available evidence is currently insufficient to determine the role of this variant in disease. Therefore, it has been classified as a Variant of Uncertain Significance.

NM_033409.4(SLC52A3):c.320C>G (p.Ala107Gly)

Gene: SLC52A3 (solute carrier family 52 member 3; minus strand). Cytogenetic location: 20p13.
Variant type: single nucleotide variant.
Coding change: c.320C>G on transcript NM_033409.4 (MANE Select); coding-DNA position 320, C replaced by G.
Protein change: p.Ala107Gly; replaces alanine 107 with glycine.
Molecular consequence: missense variant.
Genome position (GRCh38, 1-based): chr20:765,455, G>C on the plus strand (C>G on the coding strand, the complement: SLC52A3 is on the minus strand). VCF-style: chr20-765455-G-C. GRCh37 (hg19) VCF-style: chr20-746099-G-C.
Other names: c.320C>G, p.Ala107Gly (NM_001370085.1, NM_001370086.1); short protein forms A107G.
Identifiers: ClinVar variation 1382988 (VCV001382988.8), dbSNP rs1356046308, ClinGen allele CA407964084.